The following is an entry in ClinVar:

NM_001040142.2(SCN2A):c.412A>G (p.Thr138Ala)

Gene: SCN2A (sodium voltage-gated channel alpha subunit 2; plus strand). Cytogenetic location: 2q24.3.
Variant type: single nucleotide variant.
Coding change: c.412A>G on transcript NM_001040142.2 (MANE Select); coding-DNA position 412, A replaced by G.
Protein change: p.Thr138Ala; replaces threonine 138 with alanine.
Molecular consequence: missense variant.
Genome position (GRCh38, 1-based): chr2:165,307,873, A>G. VCF-style: chr2-165307873-A-G. GRCh37 (hg19) VCF-style: chr2-166164383-A-G.
Other names: c.412A>G, p.Thr138Ala (NM_001040143.2, NM_001371246.1, NM_001371247.1 and 1 more transcripts); short protein forms T138A.
Identifiers: ClinVar variation 4789332 (VCV004789332.1).

ClinVar aggregate classification (germline): Uncertain significance (1 of 4 stars; one submission).

Conditions:
Developmental and epileptic encephalopathy, 11 (DEE11). Also called: Early infantile epileptic encephalopathy 11. Identifiers: Orphanet 1934, MedGen C3150987, MONDO:0013388, OMIM 613721.
Seizures, benign familial infantile, 3 (BFIS3). Also called: CONVULSIONS, BENIGN FAMILIAL INFANTILE, 3; Familial neonatal seizures. Identifiers: Orphanet 140927, Orphanet 306, MedGen C1843140, MONDO:0011904, OMIM 607745.

Submission:

Labcorp Genetics (formerly Invitae), Labcorp
Classification: Uncertain significance for Seizures, benign familial infantile, 3; Developmental and epileptic encephalopathy, 11. Last evaluated: 2026-01-26. Review status: criteria provided, single submitter. Criteria: Invitae Variant Classification Sherloc (09022015). Collection method: clinical testing. Allele origin: germline.
Comment: This sequence change replaces threonine, which is neutral and polar, with alanine, which is neutral and non-polar, at codon 138 of the SCN2A protein (p.Thr138Ala). This variant is not present in population databases (gnomAD no frequency). This variant has not been reported in the literature in individuals affected with SCN2A-related conditions. Invitae Evidence Modeling of protein sequence and biophysical properties (such as structural, functional, and spatial information, amino acid conservation, physicochemical variation, residue mobility, and thermodynamic stability) indicates that this missense variant is expected to disrupt SCN2A protein function with a positive predictive value of 95%. In summary, the available evidence is currently insufficient to determine the role of this variant in disease. Therefore, it has been classified as a Variant of Uncertain Significance.